The following is an entry in ClinVar:

NM_001375524.1(TRRAP):c.7634T>C (p.Met2545Thr)

Gene: TRRAP (transformation/transcription domain associated protein; plus strand). Cytogenetic location: 7q22.1.
Variant type: single nucleotide variant.
Coding change: c.7634T>C on transcript NM_001375524.1 (MANE Select); coding-DNA position 7634, T replaced by C.
Protein change: p.Met2545Thr; replaces methionine 2545 with threonine.
Molecular consequence: missense variant.
Genome position (GRCh38, 1-based): chr7:98,970,233, T>C. VCF-style: chr7-98970233-T-C. GRCh37 (hg19) VCF-style: chr7-98567856-T-C.
Other names: c.7613T>C, p.Met2538Thr (NM_001244580.2); c.7559T>C, p.Met2520Thr (NM_003496.4); short protein forms M2520T, M2538T, M2545T.
Identifiers: ClinVar variation 3900820 (VCV003900820.1).

ClinVar aggregate classification (germline): Uncertain significance (1 of 4 stars; one submission).

Submission:

GeneDx
Classification: Uncertain significance. Last evaluated: 2024-12-01. Review status: criteria provided, single submitter. Criteria: GeneDx Variant Classification Process June 2021. Collection method: clinical testing. Allele origin: germline. Affected: yes.
Comment: Not observed at significant frequency in large population cohorts (gnomAD); In silico analysis indicates that this missense variant does not alter protein structure/function; Has not been previously published as pathogenic or benign to our knowledge